The following is an entry in ClinVar:

ClinVar aggregate classification (germline): other (0 of 4 stars; one submission).

Conditions:
Familial colorectal cancer. Identifiers: MedGen CN280943, MONDO:0023113. Disease mechanism: loss of function.

Submission:

Systems Biology Platform Zhejiang California International NanoSystems Institute
Classification: other for Familial colorectal cancer. Review status: no assertion criteria provided. Collection method: not provided. Allele origin: unknown.
ClinVar note: Converted during submission from cancer to other.

NM_000038.6(APC):c.1744-212G>T

Gene: APC (APC regulator of WNT signaling pathway; plus strand). Cytogenetic location: 5q22.2.
Variant type: single nucleotide variant.
Coding change: c.1744-212G>T on transcript NM_000038.6 (MANE Select); 212 bases into the intron before coding-DNA position 1744, G replaced by T.
Molecular consequence: intron variant.
Genome position (GRCh38, 1-based): chr5:112,834,739, G>T. VCF-style: chr5-112834739-G-T. GRCh37 (hg19) VCF-style: chr5-112170436-G-T.
Other names: c.1744-212G>T (NM_001354895.2, NM_001127510.3); c.1774-212G>T (NM_001354897.2); c.1471-212G>T (NM_001354902.2); c.1690-212G>T (NM_001127511.3); c.1669-212G>T (NM_001354898.2); c.1366-212G>T (NM_001354904.2); c.895-212G>T (NM_001354906.2); c.1798-212G>T (NM_001354896.2); and 5 more.
Identifiers: ClinVar variation 83211 (VCV000083211.2), dbSNP rs76836190, ClinGen allele CA005796.